The following is an entry in ClinVar:

NM_001378454.1(ALMS1):c.11871A>C (p.Glu3957Asp)

Gene: ALMS1 (ALMS1 centrosome and basal body associated protein; plus strand). Cytogenetic location: 2p13.1.
Variant type: single nucleotide variant.
Coding change: c.11871A>C on transcript NM_001378454.1 (MANE Select); coding-DNA position 11871, A replaced by C.
Protein change: p.Glu3957Asp; replaces glutamic acid 3957 with aspartic acid.
Molecular consequence: missense variant.
Genome position (GRCh38, 1-based): chr2:73,600,880, A>C. VCF-style: chr2-73600880-A-C. GRCh37 (hg19) VCF-style: chr2-73828007-A-C.
Other names: c.11874A>C, p.Glu3958Asp (NM_015120.4); short protein forms E3957D, E3958D.
Identifiers: ClinVar variation 1397930 (VCV001397930.7), dbSNP rs1205653574, ClinGen allele CA347265212.

ClinVar aggregate classification (germline): Uncertain significance. Review status: criteria provided, multiple submitters, no conflicts (2 of 4 stars). 2 submissions from 2 submitters: Uncertain significance (2). Last evaluated 2021-09-04.

Conditions:
Alstrom syndrome (ALMS). Identifiers: Orphanet 64, MedGen C0268425, MONDO:0008763, OMIM 203800.

Allele frequency attached by ClinVar (database versions not stated): TOPMed below 0.00001; gnomAD 0.00001.
gnomAD v4.1: 1 of 1,613,164 alleles (0.000062%); highest among the groups gnomAD compares: Non-Finnish European, 0.000085%; no homozygotes.

Submissions (2):

Labcorp Genetics (formerly Invitae), Labcorp
Classification: Uncertain significance for Alstrom syndrome. Last evaluated: 2021-09-04. Review status: criteria provided, single submitter. Criteria: Invitae Variant Classification Sherloc (09022015). Collection method: clinical testing. Allele origin: germline.
Comment: In summary, the available evidence is currently insufficient to determine the role of this variant in disease. Therefore, it has been classified as a Variant of Uncertain Significance. Experimental studies and prediction algorithms are not available or were not evaluated, and the functional significance of this variant is currently unknown. This variant has not been reported in the literature in individuals affected with ALMS1-related conditions. This variant is not present in population databases (ExAC no frequency). This sequence change replaces glutamic acid with aspartic acid at codon 3958 of the ALMS1 protein (p.Glu3958Asp). The glutamic acid residue is moderately conserved and there is a small physicochemical difference between glutamic acid and aspartic acid.

Fulgent Genetics
Classification: Uncertain significance for Alstrom syndrome. Last evaluated: 2021-08-20. Review status: criteria provided, single submitter. Criteria: ACMG Guidelines, 2015. Collection method: clinical testing. Allele origin: unknown.